The following is an entry in ClinVar:

NM_002907.4(RECQL):c.1668-2_1673AGA[1] (p.Glu557del)

Genes: PYROXD1 (pyridine nucleotide-disulphide oxidoreductase domain 1; plus strand), RECQL (RecQ like helicase; minus strand). Cytogenetic location: 12p12.1.
Variant type: Microsatellite.
Coding change: c.1668-2_1673AGA[1] on transcript NM_002907.4 (MANE Select).
Protein change: p.Glu557del; deletes glutamic acid 557.
Molecular consequence: inframe deletion. On other transcripts: 3 prime UTR variant (3).
Genome position: GRCh38 VCF-style: chr12-21471092-GTCT-G. GRCh37 (hg19) VCF-style: chr12-21624026-GTCT-G.
Other names: c.1668-2_1673AGA[1], p.Glu557del (NM_032941.3); c.*2339TCT[1] (NM_001350912.2, NM_001350913.2, NM_024854.5); short protein forms E557del.
Identifiers: ClinVar variation 1347127 (VCV001347127.8), dbSNP rs1942943730, ClinGen allele CA2021143521.

ClinVar aggregate classification (germline): Uncertain significance (1 of 4 stars; one submission).

Submission:

Labcorp Genetics (formerly Invitae), Labcorp
Classification: Uncertain significance. Last evaluated: 2021-04-21. Review status: criteria provided, single submitter. Criteria: Invitae Variant Classification Sherloc (09022015). Collection method: clinical testing. Allele origin: germline.
Comment: In summary, the available evidence is currently insufficient to determine the role of this variant in disease. Therefore, it has been classified as a Variant of Uncertain Significance. Experimental studies and prediction algorithms are not available or were not evaluated, and the functional significance of this variant is currently unknown. This variant has not been reported in the literature in individuals with RECQL-related conditions. This variant is not present in population databases (ExAC no frequency). This variant, c.1671_1673del, results in the deletion of 1 amino acid(s) of the RECQL protein (p.Glu557del), but otherwise preserves the integrity of the reading frame.